The following is an entry in ClinVar:

NM_014795.4(ZEB2):c.1112A>T (p.Asn371Ile)

Gene: ZEB2 (zinc finger E-box binding homeobox 2; minus strand). Cytogenetic location: 2q22.3.
Variant type: single nucleotide variant.
Coding change: c.1112A>T on transcript NM_014795.4 (MANE Select); coding-DNA position 1112, A replaced by T.
Protein change: p.Asn371Ile; replaces asparagine 371 with isoleucine.
Molecular consequence: missense variant.
Genome position (GRCh38, 1-based): chr2:144,400,075, T>A on the plus strand (A>T on the coding strand, the complement: ZEB2 is on the minus strand). VCF-style: chr2-144400075-T-A. GRCh37 (hg19) VCF-style: chr2-145157642-T-A.
Other names: c.1040A>T, p.Asn347Ile (NM_001171653.2); short protein forms N371I, N347I.
Identifiers: ClinVar variation 1027895 (VCV001027895.8), dbSNP rs1290033369, ClinGen allele CA348712581.

ClinVar aggregate classification (germline): Conflicting classifications of pathogenicity. Review status: criteria provided, conflicting classifications (1 of 4 stars). 3 submissions from 3 submitters: Uncertain significance (2); Likely benign (1). Last evaluated 2026-06-25.

Conditions:
Mowat-Wilson syndrome (MOWS). Also called: Classic Mowat-Wilson Syndrome. Identifiers: Orphanet 2152, MedGen C1856113, MONDO:0009341, OMIM 235730.

Allele frequency attached by ClinVar (database versions not stated): gnomAD 0.00001; TOPMed 0.00001.
gnomAD v4.1: 2 of 1,613,540 alleles (0.00012%); highest among the groups gnomAD compares: African/African-American, 0.0027%; no homozygotes.

Submissions (3):

Women's Health and Genetics/Laboratory Corporation of America, LabCorp
Classification: Uncertain significance. Last evaluated: 2026-06-25. Review status: criteria provided, single submitter. Criteria: LabCorp Variant Classification Summary - May 2015. Collection method: clinical testing. Allele origin: germline.
Comment: Variant summary: ZEB2 c.1112A>T (p.Asn371Ile) results in a non-conservative amino acid change in the encoded protein sequence. Algorithms developed to predict the effect of missense changes on protein structure and function are either unavailable or do not agree on the potential impact of this missense change. The variant was absent in 251310 control chromosomes. The available data on variant occurrences in the general population are insufficient to allow any conclusion about variant significance. To our knowledge, no occurrence of c.1112A>T in individuals affected with ZEB2-related conditions and no experimental evidence demonstrating its impact on protein function have been reported. ClinVar contains an entry for this variant (Variation ID: 1027895). Based on the evidence outlined above, the variant was classified as uncertain significance.

Labcorp Genetics (formerly Invitae), Labcorp
Classification: Likely benign for Mowat-Wilson syndrome. Last evaluated: 2022-07-12. Review status: criteria provided, single submitter. Criteria: Invitae Variant Classification Sherloc (09022015). Collection method: clinical testing. Allele origin: germline.

Baylor Genetics
Classification: Uncertain significance for Mowat-Wilson syndrome. Last evaluated: 2019-05-02. Review status: criteria provided, single submitter. Criteria: ACMG Guidelines, 2015. Collection method: clinical testing. Allele origin: unknown. Affected: yes.
Comment: This variant was determined to be of uncertain significance according to ACMG Guidelines, 2015 [PMID:25741868].